The following is an entry in ClinVar:

NM_024649.5(BBS1):c.1110+2T>C

Genes: BBS1 (Bardet-Biedl syndrome 1; plus strand), ZDHHC24 (zDHHC palmitoyltransferase 24; minus strand). Cytogenetic location: 11q13.2.
Variant type: single nucleotide variant.
Coding change: c.1110+2T>C on transcript NM_024649.5 (MANE Select); the canonical splice donor site of the intron after coding-DNA position 1110, T replaced by C.
Molecular consequence: splice donor variant. On other transcripts: intron variant (1).
Genome position (GRCh38, 1-based): chr11:66,523,884, T>C. VCF-style: chr11-66523884-T-C. GRCh37 (hg19) VCF-style: chr11-66291355-T-C.
Other names: c.*22-2418A>G (NM_001348571.2).
Identifiers: ClinVar variation 2009271 (VCV002009271.5), dbSNP rs1565286223, ClinGen allele CA381463102.

ClinVar aggregate classification (germline): Likely pathogenic. Review status: criteria provided, multiple submitters, no conflicts (2 of 4 stars). 2 submissions from 2 submitters: Likely pathogenic (2). Last evaluated 2026-01-26.

Conditions:
BBS1-related disorder. Also called: BBS1-related condition.
Bardet-Biedl syndrome (BBS). Identifiers: Orphanet 110, MedGen C0752166, MONDO:0015229.

Submissions (2):

PreventionGenetics, part of Exact Sciences
Classification: Likely pathogenic for BBS1-related condition. Last evaluated: 2026-01-26. Review status: criteria provided, single submitter. Criteria: ACMG Guidelines, 2015. Collection method: clinical testing. Allele origin: germline.
Comment: The BBS1 c.1110+2T>C variant is predicted to disrupt the GT donor site and interfere with normal splicing. To our knowledge, this variant has not been reported in the literature or in a large population database (gnomAD), indicating this variant is rare. An alternate variant adjacent to this nucleotide change is also predicted to disrupt the splice donor site and has been reported in individuals with Bardet-Biedl syndrome (c.1110+3G>C, described as c.1091+3G>C, Hjortshøj et al. 2009. PubMed ID: 18669544). Variants that disrupt the consensus splice donor site in BBS1 are expected to be pathogenic. This variant is interpreted as likely pathogenic.

Labcorp Genetics (formerly Invitae), Labcorp
Classification: Likely pathogenic for Bardet-Biedl syndrome. Last evaluated: 2025-10-27. Review status: criteria provided, single submitter. Criteria: Invitae Variant Classification Sherloc (09022015). Collection method: clinical testing. Allele origin: germline.
Comment: This sequence change affects a donor splice site in intron 11 of the BBS1 gene. It is expected to disrupt RNA splicing. Variants that disrupt the donor or acceptor splice site typically lead to a loss of protein function (PMID: 16199547), and loss-of-function variants in BBS1 are known to be pathogenic (PMID: 12118255, 21520335, 27032803). This variant is not present in population databases (gnomAD no frequency). This variant has not been reported in the literature in individuals affected with BBS1-related conditions. ClinVar contains an entry for this variant (Variation ID: 2009271). Algorithms developed to predict the effect of sequence changes on RNA splicing suggest that this variant may disrupt the consensus splice site. In summary, the currently available evidence indicates that the variant is pathogenic, but additional data are needed to prove that conclusively. Therefore, this variant has been classified as Likely Pathogenic.

Literature cited by the submitters: PubMed 16199547 (cited by Labcorp Genetics (formerly Invitae), Labcorp); PubMed 12118255 (cited by Labcorp Genetics (formerly Invitae), Labcorp); PubMed 21520335 (cited by Labcorp Genetics (formerly Invitae), Labcorp); PubMed 27032803 (cited by Labcorp Genetics (formerly Invitae), Labcorp).